The following is an entry in ClinVar:

ClinVar aggregate classification (germline): Uncertain significance (1 of 4 stars; one submission).

Conditions:
Autosomal dominant nocturnal frontal lobe epilepsy 5. Also called: CILIARY DYSKINESIA, PRIMARY, 28, WITH SITUS INVERSUS; KCNT1-Related Epilepsy; CILIARY DYSKINESIA, PRIMARY, 28, WITHOUT SITUS INVERSUS; Epilepsy, nocturnal frontal lobe, 5. Identifiers: Orphanet 98784, MedGen C3554306, MONDO:0014002, OMIM 615005.
Developmental and epileptic encephalopathy, 14 (DEE14). Also called: Early infantile epileptic encephalopathy 14. Identifiers: Orphanet 293181, MedGen C3554195, MONDO:0013989, OMIM 614959.

Submission:

Labcorp Genetics (formerly Invitae), Labcorp
Classification: Uncertain significance for Autosomal dominant nocturnal frontal lobe epilepsy 5; Developmental and epileptic encephalopathy, 14. Last evaluated: 2022-02-03. Review status: criteria provided, single submitter. Criteria: Invitae Variant Classification Sherloc (09022015). Collection method: clinical testing. Allele origin: germline.
Comment: In summary, the available evidence is currently insufficient to determine the role of this variant in disease. Therefore, it has been classified as a Variant of Uncertain Significance. This variant has not been reported in the literature in individuals affected with KCNT1-related conditions. This variant is not present in population databases (gnomAD no frequency). This sequence change creates a premature translational stop signal (p.Gly21Profs*29) in the KCNT1 gene. It is expected to result in an absent or disrupted protein product. However, the current clinical and genetic evidence is not sufficient to establish whether loss-of-function variants in KCNT1 cause disease.

NM_020822.3(KCNT1):c.60_75del (p.Gly21fs)

Gene: KCNT1 (potassium sodium-activated channel subfamily T member 1; plus strand). Cytogenetic location: 9q34.3.
Variant type: Deletion.
Coding change: c.60_75del on transcript NM_020822.3 (MANE Select); coding-DNA positions 60 to 75, 16 bases deleted (GGGCTACACCAACCGG).
Protein change: p.Gly21fs; shifts the reading frame from glycine 21.
Molecular consequence: frameshift variant.
Genome position (GRCh38, 1-based): chr9:135,702,318-135,702,333, GGGCTACACCAACCGG deleted; deleting any 16 consecutive bases within chr9:135,702,315-135,702,333 gives the same sequence; the c. name uses the placement nearest the transcript's 3' end. VCF-style (leftmost placement, unchanged base first): chr9-135702314-GCGGGGGCTACACCAAC-G. GRCh37 (hg19) VCF-style: chr9-138594160-GCGGGGGCTACACCAAC-G.
Other names: c.60_75del, p.Gly21fs (NM_001272003.2); short protein forms G21fs.
Identifiers: ClinVar variation 1389210 (VCV001389210.6), dbSNP rs2131304179, ClinGen allele CA2573144419.
Genomic context (GRCh38, chr9:135,702,314, plus strand): 5'-GCCGCATGCCACTCCCTGACGGGGCGCGGACCCCGGGGGGCGTCTGCCGGGAGGCGCGCG[GCGGGGGCTACACCAAC>G]CGGACCTTCGAGTTTGACGACGGCCAATGCGCCCCCAGGTACAGTCTGCTGCGCCCTCCC-3'